The following is an entry in ClinVar:

ClinVar aggregate classification (germline): Uncertain significance (1 of 4 stars; one submission).

Conditions:
Epileptic encephalopathy. Identifiers: MedGen C0543888, HP:0200134.

Allele frequency attached by ClinVar (database versions not stated): gnomAD exomes 0.00001; gnomAD 0.00002; TOPMed 0.00002; ESP Exome Variant Server 0.00008.
gnomAD v4.1: 14 of 1,603,608 alleles (0.00087%); highest among the groups gnomAD compares: Non-Finnish European, 0.0012%; no homozygotes.

Submission:

Labcorp Genetics (formerly Invitae), Labcorp
Classification: Uncertain significance for Epileptic encephalopathy. Last evaluated: 2023-12-13. Review status: criteria provided, single submitter. Criteria: Invitae Variant Classification Sherloc (09022015). Collection method: clinical testing. Allele origin: germline.
Comment: This sequence change replaces histidine, which is basic and polar, with leucine, which is neutral and non-polar, at codon 2258 of the FASN protein (p.His2258Leu). This variant is present in population databases (rs373131598, gnomAD 0.002%). This variant has not been reported in the literature in individuals affected with FASN-related conditions. ClinVar contains an entry for this variant (Variation ID: 1388903). An algorithm developed to predict the effect of missense changes on protein structure and function (PolyPhen-2) suggests that this variant is likely to be tolerated. In summary, the available evidence is currently insufficient to determine the role of this variant in disease. Therefore, it has been classified as a Variant of Uncertain Significance.

NM_004104.5(FASN):c.6773A>T (p.His2258Leu)

Gene: FASN (fatty acid synthase; minus strand). Cytogenetic location: 17q25.3.
Variant type: single nucleotide variant.
Coding change: c.6773A>T on transcript NM_004104.5 (MANE Select); coding-DNA position 6773, A replaced by T.
Protein change: p.His2258Leu; replaces histidine 2258 with leucine.
Molecular consequence: missense variant.
Genome position (GRCh38, 1-based): chr17:82,080,745, T>A on the plus strand (A>T on the coding strand, the complement: FASN is on the minus strand). VCF-style: chr17-82080745-T-A. GRCh37 (hg19) VCF-style: chr17-80038621-T-A.
Other names: short protein forms H2258L.
Identifiers: ClinVar variation 1388903 (VCV001388903.6), dbSNP rs373131598, ClinGen allele CA295202813.